The following is an entry in ClinVar:

NM_000443.4(ABCB4):c.2222C>T (p.Pro741Leu)

Gene: ABCB4 (ATP binding cassette subfamily B member 4; minus strand). Cytogenetic location: 7q21.12.
Variant type: single nucleotide variant.
Coding change: c.2222C>T on transcript NM_000443.4 (MANE Select); coding-DNA position 2222, C replaced by T.
Protein change: p.Pro741Leu; replaces proline 741 with leucine.
Molecular consequence: missense variant.
Genome position (GRCh38, 1-based): chr7:87,422,215, G>A on the plus strand (C>T on the coding strand, the complement: ABCB4 is on the minus strand). VCF-style: chr7-87422215-G-A. GRCh37 (hg19) VCF-style: chr7-87051531-G-A.
Other names: c.2222C>T, p.Pro741Leu (NM_018849.3, NM_018850.3); short protein forms P741L.
Identifiers: ClinVar variation 4846573 (VCV004846573.1).
Genomic context (GRCh38, chr7:87,422,215, plus strand): 5'-AGAAATAAGAAAATCAAAGAGAATATGTTGCACTTCTGCTGCTTCACTGCATCATCGCCT[G>A]GTCCAAAAATCTACAAAAGAATATTTAAAACGCCCACTTGGATTACATAACTGATCCTTC-3'
Protein context (NP_000434.1, residues 731-751): IFSEIIAIFG[Pro741Leu]GDDAVKQQKC

ClinVar aggregate classification (germline): Uncertain significance (1 of 4 stars; one submission).

Conditions:
Familial intrahepatic cholestasis. Identifiers: Orphanet 284385, MedGen CN296401, MONDO:0017290.
Low phospholipid associated cholelithiasis (GBD1). Also called: Gallbladder disease 1; Gallstone cholecystitis. Identifiers: Orphanet 69663, MedGen C2609268, MONDO:0010939, OMIM 600803.

gnomAD v4.1: 1 of 1,612,678 alleles (0.000062%); highest among the groups gnomAD compares: Non-Finnish European, 0.000085%; no homozygotes.

Submission:

Genomenon, Inc
Classification: Uncertain significance for Familial intrahepatic cholestasis; Low phospholipid associated cholelithiasis. Last evaluated: 2026-04-14. Review status: criteria provided, single submitter. Criteria: Genomenon Sequence Variant Interpretation Standards - Updated. Collection method: curation. Allele origin: germline. Affected: no.
Comment: ABCB4 p.Pro741Leu (c.2222C>T) is a missense variant that changes the amino acid at residue 741 from Proline to Leucine. This variant has been reported in the published literature (PMID:24914347;35741809). It is absent or not present at a significant frequency in gnomAD. In silico models predict that this variant is possibly or probably damaging. In conclusion, we classify ABCB4 p.Pro741Leu (c.2222C>T) as a variant of uncertain significance.

Literature cited by the submitters: PubMed 24914347; PubMed 35741809.